The following is an entry in ClinVar:

NM_001144758.3(PHLDB1):c.1538G>A (p.Gly513Asp)

Gene: PHLDB1 (pleckstrin homology like domain family B member 1; plus strand). Cytogenetic location: 11q23.3.
Variant type: single nucleotide variant.
Coding change: c.1538G>A on transcript NM_001144758.3 (MANE Select); coding-DNA position 1538, G replaced by A.
Protein change: p.Gly513Asp; replaces glycine 513 with aspartic acid.
Molecular consequence: missense variant.
Genome position (GRCh38, 1-based): chr11:118,628,361, G>A. VCF-style: chr11-118628361-G-A. GRCh37 (hg19) VCF-style: chr11-118499077-G-A.
Other names: c.1538G>A, p.Gly513Asp (NM_001144759.3, NM_015157.4); short protein forms G513D.
Identifiers: ClinVar variation 2642439 (VCV002642439.24), dbSNP rs151289321, ClinGen allele CA6306740.
Genomic context (GRCh38, chr11:118,628,361, plus strand): 5'-GGCGCTGGGCAGCCCATGGGGCTTCACCAGAGGACTTCTCCCTGACGCTGGGGGCACGGG[G>A]CCGTAGGACACGGAGCCCCTCACCCACACTGGGTGAGTCTCTGGCACCCCACAAGGGCAG-3'
Protein context (NP_001138230.1, residues 503-523): EDFSLTLGAR[Gly513Asp]RRTRSPSPTL

ClinVar aggregate classification (germline): Likely benign (1 of 4 stars; one submission).

Allele frequency attached by ClinVar (database versions not stated): 1000 Genomes Project 0.00160; 1000 Genomes Project 30x 0.00203; ExAC 0.00280; gnomAD 0.00305; TOPMed 0.00324; ESP Exome Variant Server 0.00362; gnomAD exomes 0.00521.

Submission:

CeGaT Center for Human Genetics Tuebingen
Classification: Likely benign. Last evaluated: 2023-03-01. Review status: criteria provided, single submitter. Criteria: CeGaT Center For Human Genetics Tuebingen Variant Classification Criteria Version 2. Collection method: clinical testing. Allele origin: germline. Affected: yes. Observed: 1 variant allele.
Comment: PHLDB1: BS2